The following is an entry in ClinVar:

NM_000061.3(BTK):c.332T>G (p.Leu111Arg)

Gene: BTK (Bruton tyrosine kinase; minus strand). Cytogenetic location: Xq22.1.
Variant type: single nucleotide variant.
Coding change: c.332T>G on transcript NM_000061.3 (MANE Select); coding-DNA position 332, T replaced by G.
Protein change: p.Leu111Arg; replaces leucine 111 with arginine.
Molecular consequence: missense variant.
Genome position (GRCh38, 1-based): chrX:101,370,057, A>C on the plus strand (T>G on the coding strand, the complement: BTK is on the minus strand). VCF-style: chrX-101370057-A-C. GRCh37 (hg19) VCF-style: chrX-100625045-A-C.
Other names: c.434T>G, p.Leu145Arg (NM_001287344.2); c.332T>G, p.Leu111Arg (NM_001287345.2); short protein forms L111R, L145R.
Identifiers: ClinVar variation 3724313 (VCV003724313.2).

ClinVar aggregate classification (germline): Likely pathogenic (1 of 4 stars; one submission).

Conditions:
X-linked agammaglobulinemia with growth hormone deficiency (IGHD3). Also called: Isolated growth hormone deficiency type 3; Growth hormone deficiency with hypogammaglobulinemia; AGAMMAGLOBULINEMIA AND ISOLATED GROWTH HORMONE DEFICIENCY, X-LINKED; FLEISHER SYNDROME; HYPOGAMMAGLOBULINEMIA AND ISOLATED GROWTH HORMONE DEFICIENCY, X-LINKED; IGHD III. Identifiers: Orphanet 231692, Orphanet 631, MedGen C0472813, MONDO:0010615, OMIM 307200.

Submission:

Labcorp Genetics (formerly Invitae), Labcorp
Classification: Likely pathogenic for X-linked agammaglobulinemia with growth hormone deficiency. Last evaluated: 2025-11-05. Review status: criteria provided, single submitter. Criteria: Invitae Variant Classification Sherloc (09022015). Collection method: clinical testing. Allele origin: germline.
Comment: This sequence change replaces leucine, which is neutral and non-polar, with arginine, which is basic and polar, at codon 111 of the BTK protein (p.Leu111Arg). This variant is not present in population databases (gnomAD no frequency). This missense change has been observed in individuals with agammaglobulinemia (PMID: 11742281; internal data). ClinVar contains an entry for this variant (Variation ID: 3724313). Invitae Evidence Modeling of protein sequence and biophysical properties (such as structural, functional, and spatial information, amino acid conservation, physicochemical variation, residue mobility, and thermodynamic stability) indicates that this missense variant is expected to disrupt BTK protein function with a positive predictive value of 95%. This variant disrupts the p.Leu111 amino acid residue in BTK. Other variant(s) that disrupt this residue have been observed in individuals with BTK-related conditions (PMID: 17765309), which suggests that this may be a clinically significant amino acid residue. In summary, the currently available evidence indicates that the variant is pathogenic, but additional data are needed to prove that conclusively. Therefore, this variant has been classified as Likely Pathogenic.

Literature cited by the submitters: PubMed 11742281; PubMed 17765309.